The following is an entry in ClinVar:

NM_152657.4(GGN):c.1334_1345del (p.441PPPT[1])

Gene: GGN (gametogenetin; minus strand). Cytogenetic location: 19q13.2.
Variant type: Deletion.
Coding change: c.1334_1345del on transcript NM_152657.4 (MANE Select); coding-DNA positions 1334 to 1345, 12 bases deleted (CGCCGCCCACAC).
Protein change: p.441PPPT[1].
Molecular consequence: inframe deletion.
Genome position (GRCh38, 1-based): chr19:38,385,917-38,385,928, GTGTGGGCGGCG deleted on the plus strand (CGCCGCCCACAC on the coding strand, the reverse complement: GGN is on the minus strand); deleting any 12 consecutive bases within chr19:38,385,917-38,385,938 gives the same sequence; the c. name uses the placement nearest the transcript's 3' end. VCF-style (leftmost placement, unchanged base first): chr19-38385916-AGTGTGGGCGGCG-A. GRCh37 (hg19) VCF-style: chr19-38876556-AGTGTGGGCGGCG-A.
Identifiers: ClinVar variation 3026019 (VCV003026019.22), dbSNP rs759257362, ClinGen allele CA9414152.

ClinVar aggregate classification (germline): Uncertain significance (1 of 4 stars; one submission).

Submission:

CeGaT Center for Human Genetics Tuebingen
Classification: Uncertain significance. Last evaluated: 2024-01-01. Review status: criteria provided, single submitter. Criteria: CeGaT Center For Human Genetics Tuebingen Variant Classification Criteria Version 2. Collection method: clinical testing. Allele origin: germline. Affected: yes. Observed: 1 variant allele.
Comment: GGN: PM2, BP3